The following is an entry in ClinVar:

ClinVar aggregate classification (germline): Conflicting classifications of pathogenicity. Review status: criteria provided, conflicting classifications (1 of 4 stars). 3 submissions from 3 submitters: Uncertain significance (2); Likely benign (1). Last evaluated 2023-10-17.

Conditions:
Combined oxidative phosphorylation defect type 27. Also called: Combined oxidative phosphorylation deficiency 27. Identifiers: Orphanet 477774, MedGen C5567608, MONDO:0014728, OMIM 616672.
Inborn genetic diseases. Identifiers: MedGen C0950123, MeSH D030342.

Allele frequency attached by ClinVar (database versions not stated): gnomAD exomes 0.00004 and 0.00005; ExAC 0.00007; ESP Exome Variant Server 0.00008; TOPMed 0.00008.

Submissions (3):

Ambry Genetics
Classification: Likely benign for Inborn genetic diseases. Last evaluated: 2023-10-17. Review status: criteria provided, single submitter. Criteria: Ambry Variant Classification Scheme 2023. Collection method: clinical testing. Allele origin: germline.

Labcorp Genetics (formerly Invitae), Labcorp
Classification: Uncertain significance for Combined oxidative phosphorylation defect type 27. Last evaluated: 2022-08-19. Review status: criteria provided, single submitter. Criteria: Invitae Variant Classification Sherloc (09022015). Collection method: clinical testing. Allele origin: germline.
Comment: This sequence change replaces glycine, which is neutral and non-polar, with serine, which is neutral and polar, at codon 478 of the CARS2 protein (p.Gly478Ser). The frequency data for this variant in the population databases is considered unreliable, as metrics indicate poor data quality at this position in the gnomAD database. This variant has not been reported in the literature in individuals affected with CARS2-related conditions. ClinVar contains an entry for this variant (Variation ID: 861063). Algorithms developed to predict the effect of missense changes on protein structure and function output the following: SIFT: "Tolerated"; PolyPhen-2: "Benign"; Align-GVGD: "Class C0". The serine amino acid residue is found in multiple mammalian species, which suggests that this missense change does not adversely affect protein function. In summary, the available evidence is currently insufficient to determine the role of this variant in disease. Therefore, it has been classified as a Variant of Uncertain Significance.

Fulgent Genetics
Classification: Uncertain significance for Combined oxidative phosphorylation defect type 27. Last evaluated: 2022-04-06. Review status: criteria provided, single submitter. Criteria: ACMG Guidelines, 2015. Collection method: clinical testing. Allele origin: unknown.

NM_024537.4(CARS2):c.1432G>A (p.Gly478Ser)

Gene: CARS2 (cysteinyl-tRNA synthetase 2, mitochondrial; minus strand). Cytogenetic location: 13q34.
Variant type: single nucleotide variant.
Coding change: c.1432G>A on transcript NM_024537.4 (MANE Select); coding-DNA position 1432, G replaced by A.
Protein change: p.Gly478Ser; replaces glycine 478 with serine.
Molecular consequence: missense variant. On other transcripts: non-coding transcript variant (2).
Genome position (GRCh38, 1-based): chr13:110,642,506, C>T on the plus strand (G>A on the coding strand, the complement: CARS2 is on the minus strand). VCF-style: chr13-110642506-C-T. GRCh37 (hg19) VCF-style: chr13-111294853-C-T.
Other names: c.1432G>A (NM_024537.2); c.646G>A, p.Gly216Ser (NM_001352252.2); short protein forms G216S, G478S.
Identifiers: ClinVar variation 861063 (VCV000861063.6), dbSNP rs372734645, ClinGen allele CA7051657.
Genomic context (GRCh38, chr13:110,642,506, plus strand): 5'-GGACCTTCTGCCGGAACCGCACCAGCTCGTCCACCACACCATGCAAGGTAGCCTCGCTGC[C>T]GTCTCCTGAAACGTACTGAAGCCAGCAGGGCGCGGTTACGTCCCCCGGAGACTGTGGATT-3'
Protein context (NP_078813.1, residues 468-488): LANQQYVSGD[Gly478Ser]SEATLHGVVD